The following is an entry in ClinVar:

NM_001256545.2(MEGF10):c.2082G>T (p.Trp694Cys)

Gene: MEGF10 (multiple EGF like domains 10; plus strand). Cytogenetic location: 5q23.2.
Variant type: single nucleotide variant.
Coding change: c.2082G>T on transcript NM_001256545.2 (MANE Select); coding-DNA position 2082, G replaced by T.
Protein change: p.Trp694Cys; replaces tryptophan 694 with cysteine.
Molecular consequence: missense variant.
Genome position (GRCh38, 1-based): chr5:127,435,467, G>T. VCF-style: chr5-127435467-G-T. GRCh37 (hg19) VCF-style: chr5-126771159-G-T.
Other names: c.2082G>T, p.Trp694Cys (NM_032446.3); short protein forms W694C.
Identifiers: ClinVar variation 841110 (VCV000841110.9), dbSNP rs896056668, ClinGen allele CA126960129.

ClinVar aggregate classification (germline): Uncertain significance (1 of 4 stars; one submission).

Conditions:
MEGF10-related myopathy (CMYO10A). Also called: Congenital myopathy 10A, severe variant. Identifiers: Orphanet 439212, MedGen C3280679, MONDO:0013731, OMIM 614399.

Allele frequency attached by ClinVar (database versions not stated): TOPMed below 0.00001; gnomAD 0.00003.
gnomAD v4.1: 6 of 1,613,814 alleles (0.00037%); highest among the groups gnomAD compares: African/African-American, 0.0053%; no homozygotes.

Submission:

Labcorp Genetics (formerly Invitae), Labcorp
Classification: Uncertain significance for MEGF10-related myopathy. Last evaluated: 2022-06-04. Review status: criteria provided, single submitter. Criteria: Invitae Variant Classification Sherloc (09022015). Collection method: clinical testing. Allele origin: germline.
Comment: In summary, the available evidence is currently insufficient to determine the role of this variant in disease. Therefore, it has been classified as a Variant of Uncertain Significance. Algorithms developed to predict the effect of missense changes on protein structure and function (SIFT, PolyPhen-2, Align-GVGD) all suggest that this variant is likely to be disruptive. ClinVar contains an entry for this variant (Variation ID: 841110). This variant has not been reported in the literature in individuals affected with MEGF10-related conditions. This variant is present in population databases (no rsID available, gnomAD 0.02%). This sequence change replaces tryptophan, which is neutral and slightly polar, with cysteine, which is neutral and slightly polar, at codon 694 of the MEGF10 protein (p.Trp694Cys).